The following is an entry in ClinVar:

NM_001288705.3(CSF1R):c.1100_1103del (p.Ser367fs)

Gene: CSF1R (colony stimulating factor 1 receptor; minus strand). Cytogenetic location: 5q32.
Variant type: Microsatellite.
Coding change: c.1100_1103del on transcript NM_001288705.3 (MANE Select); coding-DNA positions 1100 to 1103, 4 bases deleted (CTCT; older notation c.1100_1103delCTCT).
Protein change: p.Ser367fs; shifts the reading frame from serine 367.
Molecular consequence: frameshift variant. On other transcripts: non-coding transcript variant (2).
Genome position (GRCh38, 1-based): chr5:150,070,551-150,070,554, AGAG deleted on the plus strand (CTCT on the coding strand, the reverse complement: CSF1R is on the minus strand); deleting any 4 consecutive bases within chr5:150,070,551-150,070,558 gives the same sequence; the c. name uses the placement nearest the transcript's 3' end. VCF-style (leftmost placement, unchanged base first): chr5-150070550-CAGAG-C. GRCh37 (hg19) VCF-style: chr5-149450113-CAGAG-C.
Other names: c.1100_1103del, p.Ser367fs (NM_001349736.2, NM_001375320.1, NM_005211.4); c.656_659del, p.Ser219fs (NM_001375321.1); short protein forms S367fs, S219fs.
Identifiers: ClinVar variation 1488995 (VCV001488995.6), dbSNP rs2113810185, ClinGen allele CA2580614771.

ClinVar aggregate classification (germline): Pathogenic (1 of 4 stars; one submission).

Submission:

Labcorp Genetics (formerly Invitae), Labcorp
Classification: Pathogenic. Last evaluated: 2023-07-21. Review status: criteria provided, single submitter. Criteria: Invitae Variant Classification Sherloc (09022015). Collection method: clinical testing. Allele origin: germline.
Comment: For these reasons, this variant has been classified as Pathogenic. This variant has not been reported in the literature in individuals affected with CSF1R-related conditions. This variant is not present in population databases (gnomAD no frequency). This sequence change creates a premature translational stop signal (p.Ser367Cysfs*4) in the CSF1R gene. It is expected to result in an absent or disrupted protein product. Loss-of-function variants in CSF1R are known to be pathogenic (PMID: 22046273, 24120500, 24145216, 24336230, 30982608, 30982609).

Literature cited by the submitters: PubMed 22046273; PubMed 24120500; PubMed 24145216; PubMed 24336230; PubMed 30982608; PubMed 30982609.